The following is an entry in ClinVar:

NM_014780.5(CUL7):c.2932C>T (p.Arg978Trp)

Gene: CUL7 (cullin 7; minus strand). Cytogenetic location: 6p21.1.
Variant type: single nucleotide variant.
Coding change: c.2932C>T on transcript NM_014780.5 (MANE Select); coding-DNA position 2932, C replaced by T.
Protein change: p.Arg978Trp; replaces arginine 978 with tryptophan.
Molecular consequence: missense variant.
Genome position (GRCh38, 1-based): chr6:43,045,333, G>A on the plus strand (C>T on the coding strand, the complement: CUL7 is on the minus strand). VCF-style: chr6-43045333-G-A. GRCh37 (hg19) VCF-style: chr6-43013071-G-A.
Other names: c.2932C>T (NM_014780.4); c.3028C>T, p.Arg1010Trp (NM_001168370.2, NM_001374872.1); c.2932C>T, p.Arg978Trp (NM_001374873.1, NM_001374874.1); short protein forms R978W, R1010W.
Identifiers: ClinVar variation 2172445 (VCV002172445.4), dbSNP rs777786794, ClinGen allele CA3813640.

ClinVar aggregate classification (germline): Uncertain significance. Review status: criteria provided, multiple submitters, no conflicts (2 of 4 stars). 2 submissions from 2 submitters: Uncertain significance (2). Last evaluated 2025-10-21.

Conditions:
Inborn genetic diseases. Identifiers: MedGen C0950123, MeSH D030342.

Allele frequency attached by ClinVar (database versions not stated): gnomAD 0.00001; ExAC 0.00002; TOPMed 0.00002; gnomAD exomes 0.00004.
gnomAD v4.1: 60 of 1,614,070 alleles (0.0037%); highest among the groups gnomAD compares: Non-Finnish European, 0.0041%; no homozygotes.

Submissions (2):

Labcorp Genetics (formerly Invitae), Labcorp
Classification: Uncertain significance. Last evaluated: 2025-10-21. Review status: criteria provided, single submitter. Criteria: Invitae Variant Classification Sherloc (09022015). Collection method: clinical testing. Allele origin: germline.
Comment: This sequence change replaces arginine, which is basic and polar, with tryptophan, which is neutral and slightly polar, at codon 978 of the CUL7 protein (p.Arg978Trp). This variant is present in population databases (rs777786794, gnomAD 0.01%). This variant has not been reported in the literature in individuals affected with CUL7-related conditions. ClinVar contains an entry for this variant (Variation ID: 2172445). Invitae Evidence Modeling of protein sequence and biophysical properties (such as structural, functional, and spatial information, amino acid conservation, physicochemical variation, residue mobility, and thermodynamic stability) indicates that this missense variant is not expected to disrupt CUL7 protein function with a negative predictive value of 80%. In summary, the available evidence is currently insufficient to determine the role of this variant in disease. Therefore, it has been classified as a Variant of Uncertain Significance.

Ambry Genetics
Classification: Uncertain significance for Inborn genetic diseases. Last evaluated: 2023-05-22. Review status: criteria provided, single submitter. Criteria: Ambry Variant Classification Scheme 2023. Collection method: clinical testing. Allele origin: germline.